The following is an entry in ClinVar:

ClinVar aggregate classification (germline): Uncertain significance (1 of 4 stars; one submission).

Submission:

Labcorp Genetics (formerly Invitae), Labcorp
Classification: Uncertain significance. Last evaluated: 2023-12-18. Review status: criteria provided, single submitter. Criteria: Invitae Variant Classification Sherloc (09022015). Collection method: clinical testing. Allele origin: germline.
Comment: This sequence change replaces threonine, which is neutral and polar, with asparagine, which is neutral and polar, at codon 531 of the RFWD3 protein (p.Thr531Asn). This variant is not present in population databases (gnomAD no frequency). This variant has not been reported in the literature in individuals affected with RFWD3-related conditions. An algorithm developed to predict the effect of missense changes on protein structure and function (PolyPhen-2) suggests that this variant is likely to be disruptive. In summary, the available evidence is currently insufficient to determine the role of this variant in disease. Therefore, it has been classified as a Variant of Uncertain Significance.

NM_018124.4(RFWD3):c.1592C>A (p.Thr531Asn)

Gene: RFWD3 (ring finger and WD repeat domain 3; minus strand). Cytogenetic location: 16q23.1.
Variant type: single nucleotide variant.
Coding change: c.1592C>A on transcript NM_018124.4 (MANE Select); coding-DNA position 1592, C replaced by A.
Protein change: p.Thr531Asn; replaces threonine 531 with asparagine.
Molecular consequence: missense variant. On other transcripts: intron variant (1).
Genome position (GRCh38, 1-based): chr16:74,630,943, G>T on the plus strand (C>A on the coding strand, the complement: RFWD3 is on the minus strand). VCF-style: chr16-74630943-G-T. GRCh37 (hg19) VCF-style: chr16-74664841-G-T.
Other names: c.1592C>A, p.Thr531Asn (NM_001370534.1, NM_001370535.1); c.758C>A, p.Thr253Asn (NM_001370537.1, NM_001370539.1, NM_001370540.1 and 3 more transcripts); c.1577+1580C>A (NM_001370536.1); short protein forms T253N, T531N.
Identifiers: ClinVar variation 2703803 (VCV002703803.3), dbSNP rs2543950585, ClinGen allele CA396760455.